The following is an entry in ClinVar:

NM_001282933.2(ZNF341):c.2230del (p.Arg744fs)

Genes: ZNF341 (zinc finger protein 341; plus strand), ZNF341-AS1 (ZNF341 antisense RNA 1; minus strand). Cytogenetic location: 20q11.22.
Variant type: Deletion.
Coding change: c.2230del on transcript NM_001282933.2 (MANE Select); coding-DNA position 2230, one base deleted (C; older notation c.2230delC).
Protein change: p.Arg744fs; shifts the reading frame from arginine 744.
Molecular consequence: frameshift variant. On other transcripts: non-coding transcript variant (1).
Genome position (GRCh38, 1-based): chr20:33,791,182, C deleted; the last of 3 consecutive C bases (chr20:33,791,180-33,791,182); deleting any one gives the same sequence. VCF-style (leftmost placement, unchanged base first): chr20-33791179-AC-A. GRCh37 (hg19) VCF-style: chr20-32378985-AC-A.
Other names: c.1960del, p.Arg654fs (NM_001282935.2); c.2209del, p.Arg737fs (NM_032819.5); short protein forms R737fs, R744fs, R654fs.
Identifiers: ClinVar variation 1525332 (VCV001525332.8), dbSNP rs2122752773, ClinGen allele CA2573156994.
Genomic context (GRCh38, chr20:33,791,179, plus strand): 5'-CACAAATACCTCAAAGATCACCGCTGTCGTCTCGGCCCCCAAAAGGACAAGGACCTGCAA[AC>A]CCGGCGGCCCCCCCAGAGGAGGGCAGCCCCCCGCAGTTGCGGCAGTGGTGGGCGCAAGGT-3'

ClinVar aggregate classification (germline): Uncertain significance (1 of 4 stars; one submission).

Submission:

Labcorp Genetics (formerly Invitae), Labcorp
Classification: Uncertain significance. Last evaluated: 2022-06-20. Review status: criteria provided, single submitter. Criteria: Invitae Variant Classification Sherloc (09022015). Collection method: clinical testing. Allele origin: germline.
Comment: Experimental studies and prediction algorithms are not available or were not evaluated, and the functional significance of this variant is currently unknown. In summary, the available evidence is currently insufficient to determine the role of this variant in disease. Therefore, it has been classified as a Variant of Uncertain Significance. This variant has not been reported in the literature in individuals affected with ZNF341-related conditions. This variant is not present in population databases (gnomAD no frequency). This sequence change creates a premature translational stop signal (p.Arg737Glyfs*21) in the ZNF341 gene. While this is not anticipated to result in nonsense mediated decay, it is expected to disrupt the last 111 amino acid(s) of the ZNF341 protein.